The following is an entry in ClinVar:

NM_020800.3(IFT80):c.1158T>A (p.Phe386Leu)

Genes: IFT80 (intraflagellar transport 80; minus strand), TRIM59-IFT80 (TRIM59-IFT80 readthrough (NMD candidate); minus strand). Cytogenetic location: 3q25.33.
Variant type: single nucleotide variant.
Coding change: c.1158T>A on transcript NM_020800.3 (MANE Select); coding-DNA position 1158, T replaced by A.
Protein change: p.Phe386Leu; replaces phenylalanine 386 with leucine.
Molecular consequence: missense variant. On other transcripts: non-coding transcript variant (3).
Genome position (GRCh38, 1-based): chr3:160,301,040, A>T on the plus strand (T>A on the coding strand, the complement: IFT80 is on the minus strand). VCF-style: chr3-160301040-A-T. GRCh37 (hg19) VCF-style: chr3-160018828-A-T.
Other names: c.747T>A, p.Phe249Leu (NM_001190241.2, NM_001190242.2); short protein forms F386L, F249L.
Identifiers: ClinVar variation 934841 (VCV000934841.8), dbSNP rs755957651, ClinGen allele CA2685230.
Genomic context (GRCh38, chr3:160,301,040, plus strand): 5'-AGATGAAATAAAGCGCCCTTCATATGAATATAAATAGATACTACTACCATCTACAAGAAG[A>T]AAATGTCTAAAAAATAAAGAATAGAAATAGATTCTCAAACAGGAGTATACTTTATTTTTG-3'
Protein context (NP_065851.1, residues 376-396): VSLILQAERH[Phe386Leu]LLVDGSSIYL

ClinVar aggregate classification (germline): Uncertain significance (1 of 4 stars; one submission).

Conditions:
Jeune thoracic dystrophy. Also called: Jeune syndrome; Infantile thoracic dystrophy; Thoracic pelvic phalangeal dystrophy; Jeune's syndrome; Chondroectodermal dysplasia-like syndrome; Short-rib thoracic dysplasia. Identifiers: Orphanet 474, MedGen C0265275, MONDO:0018770.

Allele frequency attached by ClinVar (database versions not stated): gnomAD 0.00001; gnomAD exomes 0.00001 and 0.00002; TOPMed 0.00001; ExAC 0.00003.
gnomAD v4.1: 21 of 1,569,692 alleles (0.0013%); highest among the groups gnomAD compares: Middle Eastern, 0.034%; no homozygotes.

Submission:

Labcorp Genetics (formerly Invitae), Labcorp
Classification: Uncertain significance for Jeune thoracic dystrophy. Last evaluated: 2024-10-16. Review status: criteria provided, single submitter. Criteria: Invitae Variant Classification Sherloc (09022015). Collection method: clinical testing. Allele origin: germline.
Comment: This sequence change replaces phenylalanine, which is neutral and non-polar, with leucine, which is neutral and non-polar, at codon 386 of the IFT80 protein (p.Phe386Leu). This variant is present in population databases (rs755957651, gnomAD 0.004%). This variant has not been reported in the literature in individuals affected with IFT80-related conditions. ClinVar contains an entry for this variant (Variation ID: 934841). Invitae Evidence Modeling of protein sequence and biophysical properties (such as structural, functional, and spatial information, amino acid conservation, physicochemical variation, residue mobility, and thermodynamic stability) has been performed for this missense variant. However, the output from this modeling did not meet the statistical confidence thresholds required to predict the impact of this variant on IFT80 protein function. In summary, the available evidence is currently insufficient to determine the role of this variant in disease. Therefore, it has been classified as a Variant of Uncertain Significance.